The following is an entry in ClinVar:

NM_000179.3(MSH6):c.251C>A (p.Ala84Asp)

Genes: MSH6 (mutS homolog 6; plus strand), LOC129933707 (ATAC-STARR-seq lymphoblastoid silent region 11468; plus strand). Cytogenetic location: 2p16.3.
Variant type: single nucleotide variant.
Coding change: c.251C>A on transcript NM_000179.3 (MANE Select); coding-DNA position 251, C replaced by A.
Protein change: p.Ala84Asp; replaces alanine 84 with aspartic acid.
Molecular consequence: missense variant. On other transcripts: 5 prime UTR variant (7), non-coding transcript variant (5), intron variant (7).
Genome position (GRCh38, 1-based): chr2:47,783,484, C>A. VCF-style: chr2-47783484-C-A. GRCh37 (hg19) VCF-style: chr2-48010623-C-A.
Other names: c.-486C>A (NM_001281493.2, NM_001406811.1); c.251C>A, p.Ala84Asp (NM_001406795.1, NM_001406796.1, NM_001406798.1 and 8 more transcripts); c.-78C>A (NM_001406799.1); c.-678C>A (NM_001406807.1); c.-333C>A (NM_001406812.1); c.-744C>A (NM_001406814.1); c.-289C>A (NM_001406816.1); c.-38+253C>A (NM_001406805.1, NM_001406797.1, NM_001406801.1); and 4 more; short protein forms A84D.
Identifiers: ClinVar variation 2698976 (VCV002698976.3), dbSNP rs878853717, ClinGen allele CA346735143.

ClinVar aggregate classification (germline): Uncertain significance (1 of 4 stars; one submission).

Conditions:
Hereditary nonpolyposis colorectal neoplasms. Identifiers: MedGen C0009405, MeSH D003123.

Submission:

Labcorp Genetics (formerly Invitae), Labcorp
Classification: Uncertain significance for Hereditary nonpolyposis colorectal neoplasms. Last evaluated: 2023-11-25. Review status: criteria provided, single submitter. Criteria: Invitae Variant Classification Sherloc (09022015). Collection method: clinical testing. Allele origin: germline.
Comment: This sequence change replaces alanine, which is neutral and non-polar, with aspartic acid, which is acidic and polar, at codon 84 of the MSH6 protein (p.Ala84Asp). This variant is not present in population databases (gnomAD no frequency). This variant has not been reported in the literature in individuals affected with MSH6-related conditions. Advanced modeling of protein sequence and biophysical properties (such as structural, functional, and spatial information, amino acid conservation, physicochemical variation, residue mobility, and thermodynamic stability) performed at Invitae indicates that this missense variant is not expected to disrupt MSH6 protein function with a negative predictive value of 95%. In summary, the available evidence is currently insufficient to determine the role of this variant in disease. Therefore, it has been classified as a Variant of Uncertain Significance.